The following is an entry in ClinVar:

ClinVar aggregate classification (germline): Uncertain significance (1 of 4 stars; one submission).

Allele frequency attached by ClinVar (database versions not stated): 1000 Genomes Project 30x 0.00016; 1000 Genomes Project 0.00020.

Submission:

Labcorp Genetics (formerly Invitae), Labcorp
Classification: Uncertain significance. Last evaluated: 2022-03-11. Review status: criteria provided, single submitter. Criteria: Invitae Variant Classification Sherloc (09022015). Collection method: clinical testing. Allele origin: germline.
Comment: This sequence change replaces glutamic acid, which is acidic and polar, with lysine, which is basic and polar, at codon 98 of the COL13A1 protein (p.Glu98Lys). The frequency data for this variant in the population databases is considered unreliable, as metrics indicate poor data quality at this position in the gnomAD database. This variant has not been reported in the literature in individuals affected with COL13A1-related conditions. Algorithms developed to predict the effect of missense changes on protein structure and function are either unavailable or do not agree on the potential impact of this missense change (SIFT: "Deleterious"; PolyPhen-2: "Benign"; Align-GVGD: "Class C0"). In summary, the available evidence is currently insufficient to determine the role of this variant in disease. Therefore, it has been classified as a Variant of Uncertain Significance.

NM_001368882.1(COL13A1):c.292G>A (p.Glu98Lys)

Gene: COL13A1 (collagen type XIII alpha 1 chain; plus strand). Cytogenetic location: 10q22.1.
Variant type: single nucleotide variant.
Coding change: c.292G>A on transcript NM_001368882.1 (MANE Select); coding-DNA position 292, G replaced by A.
Protein change: p.Glu98Lys; replaces glutamic acid 98 with lysine.
Molecular consequence: missense variant. On other transcripts: 5 prime UTR variant (1).
Genome position (GRCh38, 1-based): chr10:69,802,715, G>A. VCF-style: chr10-69802715-G-A. GRCh37 (hg19) VCF-style: chr10-71562471-G-A.
Other names: c.292G>A, p.Glu98Lys (NM_001130103.2, NM_001320951.2, NM_001368883.1 and 11 more transcripts); c.-362G>A (NM_001368886.1); short protein forms E98K.
Identifiers: ClinVar variation 1410022 (VCV001410022.3), dbSNP rs201112703, ClinGen allele CA5534020.